The following is an entry in ClinVar:

ClinVar aggregate classification (germline): Pathogenic (1 of 4 stars; one submission).

Conditions:
Glycogen storage disease, type II (IOPD). Also called: Pompe Disease; CARDIOMEGALIA GLYCOGENICA DIFFUSA; GLYCOGENOSIS, GENERALIZED, CARDIAC FORM; GSD II; POMPE DISEASE, INFANTILE-ONSET; GLYCOGEN STORAGE DISEASE II, INFANTILE-ONSET. Identifiers: Orphanet 365, MedGen C0017921, MONDO:0009290, OMIM 232300.

gnomAD v4.1: 2 of 1,607,474 alleles (0.00012%); highest among the groups gnomAD compares: Admixed American, 0.0017%; no homozygotes.

Submission:

Genomenon, Inc
Classification: Pathogenic for Glycogen storage disease, type II. Last evaluated: 2026-07-01. Review status: criteria provided, single submitter. Criteria: Genomenon Sequence Variant Interpretation Standards - Updated. Collection method: curation. Allele origin: germline. Affected: yes.
Comment: GAA c.1889-1G>A is a canonical splice variant affecting the acceptor splice site of intron 13. It is predicted to affect mRNA splicing, leading to a deleterious effect on the GAA protein. This variant has been observed in at least one proband with a GAA-related disorder (PMID:34020684;31378569). At least one splicing study has demonstrated that this variant results in aberrant splicing (PMID:34530085). It is absent or not present at a significant frequency in gnomAD. In conclusion, we classify GAA c.1889-1G>A as a pathogenic variant.

Literature cited by the submitters: PubMed 34020684; PubMed 31378569; PubMed 34530085.

NM_000152.5(GAA):c.1889-1G>A

Gene: GAA (alpha glucosidase; plus strand). Cytogenetic location: 17q25.3.
Variant type: single nucleotide variant.
Coding change: c.1889-1G>A on transcript NM_000152.5 (MANE Select); the canonical splice acceptor site of the intron before coding-DNA position 1889, G replaced by A.
Molecular consequence: splice acceptor variant.
Genome position (GRCh38, 1-based): chr17:80,112,875, G>A. VCF-style: chr17-80112875-G-A. GRCh37 (hg19) VCF-style: chr17-78086674-G-A.
Other names: c.1889-1G>A (NM_001406741.1, NM_001406742.1, NM_001079803.3 and 1 more transcripts).
Identifiers: ClinVar variation 4876348 (VCV004876348.1).
Genomic context (GRCh38, chr17:80,112,875, plus strand): 5'-ACTTGGCCTGAGCTGGCTCTGCTGCAGCAGCCTGAGGACCAGCCTGACTCTGCCCTCCCA[G>A]AAATCCTGCAGTTTAACCTGCTGGGGGTGCCTCTGGTCGGGGCCGACGTCTGCGGCTTCC-3'